The following is an entry in ClinVar:

NM_003749.3(IRS2):c.1497C>A (p.Ser499=)

Gene: IRS2 (insulin receptor substrate 2; minus strand). Cytogenetic location: 13q34.
Variant type: single nucleotide variant.
Coding change: c.1497C>A on transcript NM_003749.3 (MANE Select); coding-DNA position 1497, C replaced by A.
Protein change: p.Ser499=; no amino-acid change (serine 499 retained).
Molecular consequence: synonymous variant.
Genome position (GRCh38, 1-based): chr13:109,784,557, G>T on the plus strand (C>A on the coding strand, the complement: IRS2 is on the minus strand). VCF-style: chr13-109784557-G-T. GRCh37 (hg19) VCF-style: chr13-110436904-G-T.
Identifiers: ClinVar variation 3057276 (VCV003057276.2), dbSNP rs950586821, ClinGen allele CA256239950.

ClinVar aggregate classification (germline): Likely benign (0 of 4 stars; one submission).

Conditions:
IRS2-related disorder. Also called: IRS2-related condition.

Allele frequency attached by ClinVar (database versions not stated): gnomAD 0.00013; TOPMed 0.00022.
gnomAD v4.1: 33 of 1,447,122 alleles (0.0023%); highest among the groups gnomAD compares: Admixed American, 0.031%; no homozygotes.

Submission:

PreventionGenetics, part of Exact Sciences
Classification: Likely benign for IRS2-related condition. Last evaluated: 2019-02-22. Review status: no assertion criteria provided. Collection method: clinical testing. Allele origin: germline.
Comment: This variant is classified as likely benign based on ACMG/AMP sequence variant interpretation guidelines (Richards et al. 2015 PMID: 25741868, with internal and published modifications).